The following is an entry in ClinVar:

NM_004380.3(CREBBP):c.6339C>T (p.Pro2113=)

Gene: CREBBP (CREB binding lysine acetyltransferase; minus strand). Cytogenetic location: 16p13.3.
Variant type: single nucleotide variant.
Coding change: c.6339C>T on transcript NM_004380.3 (MANE Select); coding-DNA position 6339, C replaced by T.
Protein change: p.Pro2113=; no amino-acid change (proline 2113 retained).
Molecular consequence: synonymous variant.
Genome position (GRCh38, 1-based): chr16:3,728,708, G>A on the plus strand (C>T on the coding strand, the complement: CREBBP is on the minus strand). VCF-style: chr16-3728708-G-A. GRCh37 (hg19) VCF-style: chr16-3778709-G-A.
Other names: c.6339C>T (NM_004380.2); c.6225C>T, p.Pro2075= (NM_001079846.1).
Identifiers: ClinVar variation 2174671 (VCV002174671.30), dbSNP rs369789167, ClinGen allele CA7869139.

ClinVar aggregate classification (germline): Likely benign. Review status: criteria provided, multiple submitters, no conflicts (2 of 4 stars). 4 submissions from 4 submitters: Likely benign (4). Last evaluated 2024-10-10.

Conditions:
CREBBP-related disorder. Also called: CREBBP-related condition; CREBBP-related disorders.
Rubinstein-Taybi syndrome (RSTS). Identifiers: Orphanet 783, MedGen C0035934, MONDO:0019188.

Allele frequency attached by ClinVar (database versions not stated): ExAC 0.00003; TOPMed 0.00003; gnomAD 0.00005; ESP Exome Variant Server 0.00008.
gnomAD v4.1: 25 of 1,613,940 alleles (0.0015%); highest among the groups gnomAD compares: Middle Eastern, 0.033%; no homozygotes.

Submissions (4):

PreventionGenetics, part of Exact Sciences
Classification: Likely benign for CREBBP-related condition. Last evaluated: 2024-10-10. Review status: criteria provided, single submitter. Criteria: ACMG Guidelines, 2015. Collection method: clinical testing. Allele origin: germline.
Comment: This variant is classified as likely benign based on ACMG/AMP sequence variant interpretation guidelines (Richards et al. 2015 PMID: 25741868, with internal and published modifications).

Blueprint Genetics
Classification: Likely benign. Last evaluated: 2024-07-10. Review status: criteria provided, single submitter. Criteria: ACMG Guidelines, 2015. Collection method: clinical testing. Allele origin: germline.

Labcorp Genetics (formerly Invitae), Labcorp
Classification: Likely benign for Rubinstein-Taybi syndrome. Last evaluated: 2024-02-07. Review status: criteria provided, single submitter. Criteria: Invitae Variant Classification Sherloc (09022015). Collection method: clinical testing. Allele origin: germline.

CeGaT Center for Human Genetics Tuebingen
Classification: Likely benign. Last evaluated: 2022-10-01. Review status: criteria provided, single submitter. Criteria: CeGaT Center For Human Genetics Tuebingen Variant Classification Criteria Version 2. Collection method: clinical testing. Allele origin: germline. Affected: yes. Observed: 1 variant allele.
Comment: CREBBP: BP4, BP7